The following is an entry in ClinVar:

NM_001166108.2(PALLD):c.1965-12912C>T

Gene: PALLD (palladin, cytoskeletal associated protein; plus strand). Cytogenetic location: 4q32.3.
Variant type: single nucleotide variant.
Coding change: c.1965-12912C>T on transcript NM_001166108.2 (MANE Select); 12912 bases into the intron before coding-DNA position 1965, C replaced by T.
Molecular consequence: intron variant. On other transcripts: missense variant (1).
Genome position (GRCh38, 1-based): chr4:168,878,010, C>T. VCF-style: chr4-168878010-C-T. GRCh37 (hg19) VCF-style: chr4-169799161-C-T.
Other names: c.119C>T, p.Thr40Met (NM_001166110.2); c.1965-12912C>T (NM_016081.4); c.819-12912C>T (NM_001166109.2); c.-157-12912C>T (NM_001367570.1, NM_001367568.1, NM_001367567.1 and 1 more transcripts); short protein forms T40M.
Identifiers: ClinVar variation 3208120 (VCV003208120.2), dbSNP rs999214743, ClinGen allele CA110515920.

ClinVar aggregate classification (germline): Uncertain significance (1 of 4 stars; one submission).

Allele frequency attached by ClinVar (database versions not stated): gnomAD exomes below 0.00001; TOPMed below 0.00001.
gnomAD v4.1: 2 of 1,497,458 alleles (0.00013%); highest among the groups gnomAD compares: Non-Finnish European, 0.00018%; no homozygotes.

Submission:

Ambry Genetics
Classification: Uncertain significance. Last evaluated: 2024-11-24. Review status: criteria provided, single submitter. Criteria: Ambry Variant Classification Scheme 2023. Collection method: clinical testing. Allele origin: germline.
Comment: The p.T40M variant (also known as c.119C>T), located in coding exon 1 of the PALLD gene, results from a C to T substitution at nucleotide position 119. The threonine at codon 40 is replaced by methionine, an amino acid with similar properties. This amino acid position is conserved. In addition, this alteration is predicted to be tolerated by in silico analysis. Based on the available evidence, the clinical significance of this variant remains unclear.